The following is an entry in ClinVar:

NM_000222.3(KIT):c.2683G>T (p.Ala895Ser)

Gene: KIT (KIT proto-oncogene, receptor tyrosine kinase; plus strand). Cytogenetic location: 4q12.
Variant type: single nucleotide variant.
Coding change: c.2683G>T on transcript NM_000222.3 (MANE Select); coding-DNA position 2683, G replaced by T.
Protein change: p.Ala895Ser; replaces alanine 895 with serine.
Molecular consequence: missense variant.
Genome position (GRCh38, 1-based): chr4:54,736,807, G>T. VCF-style: chr4-54736807-G-T. GRCh37 (hg19) VCF-style: chr4-55602973-G-T.
Other names: c.2671G>T, p.Ala891Ser (NM_001093772.2, NM_001385292.1); c.2686G>T, p.Ala896Ser (NM_001385284.1); c.2680G>T, p.Ala894Ser (NM_001385285.1); c.2668G>T, p.Ala890Ser (NM_001385286.1); c.2674G>T, p.Ala892Ser (NM_001385288.1); c.2683G>T, p.Ala895Ser (NM_001385290.1); short protein forms A891S, A895S, A890S, A892S, A894S, A896S.
Identifiers: ClinVar variation 958122 (VCV000958122.12), dbSNP rs774405431, ClinGen allele CA96882580.

ClinVar aggregate classification (germline): Uncertain significance. Review status: criteria provided, multiple submitters, no conflicts (2 of 4 stars). 3 submissions from 3 submitters: Uncertain significance (3). Last evaluated 2025-06-10.

Conditions:
Hereditary cancer-predisposing syndrome. Also called: Hereditary neoplastic syndrome; Neoplastic Syndromes, Hereditary; Hereditary Cancer Syndrome; Tumor predisposition. Identifiers: Orphanet 140162, MedGen C0027672, MeSH D009386, MONDO:0015356.
Gastrointestinal stromal tumor. Also called: Gastrointestinal stromal tumor, somatic; Gastrointestinal stroma tumor. Identifiers: Orphanet 44890, MedGen C0238198, MeSH D046152, MONDO:0011719, OMIM 606764, HP:0100723.

Allele frequency attached by ClinVar (database versions not stated): TOPMed 0.00001.
gnomAD v4.1: 1 of 1,613,772 alleles (0.000062%); highest among the groups gnomAD compares: African/African-American, 0.0013%; no homozygotes.

Submissions (3):

Labcorp Genetics (formerly Invitae), Labcorp
Classification: Uncertain significance for Gastrointestinal stromal tumor. Last evaluated: 2025-06-10. Review status: criteria provided, single submitter. Criteria: Invitae Variant Classification Sherloc (09022015). Collection method: clinical testing. Allele origin: germline.
Comment: This sequence change replaces alanine, which is neutral and non-polar, with serine, which is neutral and polar, at codon 895 of the KIT protein (p.Ala895Ser). This variant is present in population databases (no rsID available, gnomAD 0.007%). This variant has not been reported in the literature in individuals affected with KIT-related conditions. ClinVar contains an entry for this variant (Variation ID: 958122). An algorithm developed to predict the effect of missense changes on protein structure and function (PolyPhen-2) suggests that this variant is likely to be disruptive. In summary, the available evidence is currently insufficient to determine the role of this variant in disease. Therefore, it has been classified as a Variant of Uncertain Significance.

Ambry Genetics
Classification: Uncertain significance for Hereditary cancer-predisposing syndrome. Last evaluated: 2024-12-22. Review status: criteria provided, single submitter. Criteria: Ambry Variant Classification Scheme 2023. Collection method: clinical testing. Allele origin: germline.
Comment: The p.A895S variant (also known as c.2683G>T), located in coding exon 19 of the KIT gene, results from a G to T substitution at nucleotide position 2683. The alanine at codon 895 is replaced by serine, an amino acid with similar properties. This amino acid position is conserved. In addition, this alteration is predicted to be tolerated by in silico analysis. Based on the available evidence, the clinical significance of this variant remains unclear.

Baylor Genetics
Classification: Uncertain significance for Gastrointestinal stromal tumor. Last evaluated: 2023-08-12. Review status: criteria provided, single submitter. Criteria: ACMG Guidelines, 2015. Collection method: clinical testing. Allele origin: unknown.